The following is an entry in ClinVar:

ClinVar aggregate classification (germline): Uncertain significance (1 of 4 stars; one submission).

Conditions:
Nephronophthisis. Also called: Juvenile Nephronophthisis. Identifiers: Orphanet 655, MedGen C0687120, MONDO:0019005, HP:0000090.
Meckel-Gruber syndrome. Also called: DYSENCEPHALIA SPLANCHNOCYSTICA; GRUBER SYNDROME; Dysencephalia splachnocystica. Identifiers: Orphanet 564, MedGen C0265215, MONDO:0018921.
Joubert syndrome. Also called: CEREBELLOPARENCHYMAL DISORDER IV; JOUBERT-BOLTSHAUSER SYNDROME; Familial aplasia of the vermis. Identifiers: Orphanet 475, MedGen C5979921, MONDO:0018772.

Allele frequency attached by ClinVar (database versions not stated): gnomAD exomes 0.00001.
gnomAD v4.1: 15 of 1,611,102 alleles (0.00093%); highest among the groups gnomAD compares: Non-Finnish European, 0.0013%; no homozygotes.

Submission:

Labcorp Genetics (formerly Invitae), Labcorp
Classification: Uncertain significance for Joubert syndrome; Meckel-Gruber syndrome; Nephronophthisis. Last evaluated: 2021-10-14. Review status: criteria provided, single submitter. Criteria: Invitae Variant Classification Sherloc (09022015). Collection method: clinical testing. Allele origin: germline.
Comment: This sequence change affects codon 927 of the CEP290 mRNA. It is a 'silent' change, meaning that it does not change the encoded amino acid sequence of the CEP290 protein. This variant is not present in population databases (ExAC no frequency). This variant has not been reported in the literature in individuals affected with CEP290-related conditions. Algorithms developed to predict the effect of sequence changes on RNA splicing suggest that this variant may create or strengthen a splice site. In summary, the available evidence is currently insufficient to determine the role of this variant in disease. Therefore, it has been classified as a Variant of Uncertain Significance.

NM_025114.4(CEP290):c.2781A>G (p.Glu927=)

Gene: CEP290 (centrosomal protein 290; minus strand). Cytogenetic location: 12q21.32.
Variant type: single nucleotide variant.
Coding change: c.2781A>G on transcript NM_025114.4 (MANE Select); coding-DNA position 2781, A replaced by G.
Protein change: p.Glu927=; no amino-acid change (glutamic acid 927 retained).
Molecular consequence: synonymous variant.
Genome position (GRCh38, 1-based): chr12:88,106,711, T>C on the plus strand (A>G on the coding strand, the complement: CEP290 is on the minus strand). VCF-style: chr12-88106711-T-C. GRCh37 (hg19) VCF-style: chr12-88500488-T-C.
Identifiers: ClinVar variation 1520761 (VCV001520761.5), dbSNP rs2137612847, ClinGen allele CA481049634.
Genomic context (GRCh38, chr12:88,106,711, plus strand): 5'-AAGCAAAATAAGAATCAGATGTACCTTAAATCTTTGCAAACACCCAATTTTTTCACAAAC[T>C]TCAGCCTCCATTGACAACAATTCATTCTTTTGCTTCTCATTTTCTTTTCTAAGTTGTCGC-3'
Protein context (NP_079390.3, residues 917-937): QKNELLSMEA[Glu927=]VCEKIGCLQR